The following is an entry in ClinVar:

ClinVar aggregate classification (germline): Pathogenic. Review status: criteria provided, multiple submitters, no conflicts (2 of 4 stars). 2 submissions from 2 submitters: Pathogenic (2). Last evaluated 2024-05-08.

Conditions:
Glycogen storage disease, type II (IOPD). Also called: Glucosidase acid-1,4-alpha deficiency; Glycogen storage disease type 2; Acid maltase deficiency disease; Aglucosidase alfa; Deficiency of alpha-glucosidase; Deficiency of lysosomal alpha-glucosidase. Identifiers: Orphanet 365, MedGen C0017921, MONDO:0009290, OMIM 232300.

Submissions (2):

Myriad Genetics, Inc.
Classification: Pathogenic for Glycogen storage disease, type II. Last evaluated: 2024-05-08. Review status: criteria provided, single submitter. Criteria: Myriad Autosomal Dominant, Autosomal Recessive and X-Linked Classification Criteria (2023). Collection method: clinical testing. Allele origin: unknown.
Comment: NM_000152.3(GAA):c.2284G>T(E762*) is expected to be pathogenic in the context of Pompe disease. This variant is predicted to lead to an abnormal or absent protein product due to the creation of a premature termination codon in GAA, a gene where loss-of-function variants are known to be pathogenic. Please note: this variant was assessed in the context of healthy population screening.

Labcorp Genetics (formerly Invitae), Labcorp
Classification: Pathogenic for Glycogen storage disease, type II. Last evaluated: 2019-06-18. Review status: criteria provided, single submitter. Criteria: Invitae Variant Classification Sherloc (09022015). Collection method: clinical testing. Allele origin: germline.
Comment: This sequence change creates a premature translational stop signal (p.Glu762*) in the GAA gene. It is expected to result in an absent or disrupted protein product. This variant is not present in population databases (ExAC no frequency). This variant has not been reported in the literature in individuals with GAA-related conditions. Loss-of-function variants in GAA are known to be pathogenic (PMID: 18425781, 22252923). For these reasons, this variant has been classified as Pathogenic.

Literature cited by the submitters: PubMed 18425781 (cited by Labcorp Genetics (formerly Invitae), Labcorp); PubMed 22252923 (cited by Labcorp Genetics (formerly Invitae), Labcorp).

NM_000152.5(GAA):c.2284G>T (p.Glu762Ter)

Gene: GAA (alpha glucosidase; plus strand). Cytogenetic location: 17q25.3.
Variant type: single nucleotide variant.
Coding change: c.2284G>T on transcript NM_000152.5 (MANE Select); coding-DNA position 2284, G replaced by T.
Protein change: p.Glu762Ter; replaces glutamic acid 762 with a stop codon.
Molecular consequence: nonsense.
Genome position (GRCh38, 1-based): chr17:80,117,062, G>T. VCF-style: chr17-80117062-G-T. GRCh37 (hg19) VCF-style: chr17-78090861-G-T.
Other names: c.2284G>T, p.Glu762Ter (NM_001079803.3, NM_001079804.3); short protein forms E762*.
Identifiers: ClinVar variation 939413 (VCV000939413.9), dbSNP rs760063214, ClinGen allele CA401324858.